The following is an entry in ClinVar:

NM_006393.3(NEBL):c.1952A>C (p.Asn651Thr)

Gene: NEBL (nebulette; minus strand). Cytogenetic location: 10p12.31.
Variant type: single nucleotide variant.
Coding change: c.1952A>C on transcript NM_006393.3 (MANE Select); coding-DNA position 1952, A replaced by C.
Protein change: p.Asn651Thr; replaces asparagine 651 with threonine.
Molecular consequence: missense variant. On other transcripts: intron variant (9).
Genome position (GRCh38, 1-based): chr10:20,823,218, T>G on the plus strand (A>C on the coding strand, the complement: NEBL is on the minus strand). VCF-style: chr10-20823218-T-G. GRCh37 (hg19) VCF-style: chr10-21112147-T-G.
Other names: c.250-10278A>C (NM_001377326.1, NM_001377327.1, NM_001377328.1); c.358-10278A>C (NM_213569.2, NM_001173484.2, NM_001377322.1); c.301-10278A>C (NM_001377324.1); c.292-10278A>C (NM_001377325.1); c.310-10278A>C (NM_001377323.1); short protein forms N651T.
Identifiers: ClinVar variation 2039794 (VCV002039794.4), dbSNP rs772086560, ClinGen allele CA5432690.

ClinVar aggregate classification (germline): Uncertain significance (1 of 4 stars; one submission).

Conditions:
Primary dilated cardiomyopathy (DCM). Also called: Dilated Cardiomyopathy. Identifiers: Orphanet 217604, MedGen C0007193, MeSH D002311, MONDO:0005021, HP:0001644. Inheritance: Various modes of inheritance.

Allele frequency attached by ClinVar (database versions not stated): gnomAD exomes below 0.00001; ExAC 0.00001.
gnomAD v4.1: 3 of 1,603,222 alleles (0.00019%); highest among the groups gnomAD compares: South Asian, 0.0033%; no homozygotes.

Submission:

Labcorp Genetics (formerly Invitae), Labcorp
Classification: Uncertain significance for Primary dilated cardiomyopathy. Last evaluated: 2025-02-05. Review status: criteria provided, single submitter. Criteria: Invitae Variant Classification Sherloc (09022015). Collection method: clinical testing. Allele origin: germline.
Comment: This sequence change replaces asparagine, which is neutral and polar, with threonine, which is neutral and polar, at codon 651 of the NEBL protein (p.Asn651Thr). This variant is present in population databases (rs772086560, gnomAD 0.003%). This variant has not been reported in the literature in individuals affected with NEBL-related conditions. ClinVar contains an entry for this variant (Variation ID: 2039794). An algorithm developed to predict the effect of missense changes on protein structure and function (PolyPhen-2) suggests that this variant is likely to be tolerated. In summary, the available evidence is currently insufficient to determine the role of this variant in disease. Therefore, it has been classified as a Variant of Uncertain Significance.